The following is an entry in ClinVar:

NM_080916.3(DGUOK):c.494A>T (p.Glu165Val)

Gene: DGUOK (deoxyguanosine kinase; plus strand). Cytogenetic location: 2p13.1.
Variant type: single nucleotide variant.
Coding change: c.494A>T on transcript NM_080916.3 (MANE Select); coding-DNA position 494, A replaced by T.
Protein change: p.Glu165Val; replaces glutamic acid 165 with valine.
Molecular consequence: missense variant. On other transcripts: non-coding transcript variant (2), intron variant (2).
Genome position (GRCh38, 1-based): chr2:73,950,635, A>T. VCF-style: chr2-73950635-A-T. GRCh37 (hg19) VCF-style: chr2-74177762-A-T.
Other names: c.203A>T, p.Glu68Val (NM_001318860.2, NM_001318861.2); c.185A>T, p.Glu62Val (NM_001318862.2, NM_001318863.2); c.443+3729A>T (NM_080918.3); c.425+3747A>T (NM_001318859.2); c.494A>T (NM_080916.2); short protein forms E165V, E62V, E68V.
Identifiers: ClinVar variation 595262 (VCV000595262.13), dbSNP rs770950831, ClinGen allele CA1718273.
Genomic context (GRCh38, chr2:73,950,635, plus strand): 5'-TTCCAACCAGGTATATCTTTGCAAAGAATCTTTTTGAAAATGGTTCCCTCAGTGACATCG[A>T]GTGGCATATCTATCAGGACTGGCATTCTTTTCTCCTGTGGGAGTTTGCCAGCCGGATCAC-3'
Protein context (NP_550438.1, residues 155-175): LFENGSLSDI[Glu165Val]WHIYQDWHSF

ClinVar aggregate classification (germline): Pathogenic/Likely pathogenic. Review status: criteria provided, multiple submitters, no conflicts (2 of 4 stars). 5 submissions from 5 submitters: Pathogenic (3); Likely pathogenic (1). 1 of the submissions does not count toward it. Last evaluated 2026-03-05.

Conditions:
DGUOK-related disorder. Also called: DGUOK-related condition.
Mitochondrial DNA depletion syndrome 3 (hepatocerebral type). Also called: Mitochondrial DNA depletion syndrome, hepatocerebral form due to DGUOK deficiency; MITOCHONDRIAL DNA DEPLETION SYNDROME 3; Deoxyguanosine Kinase Deficiency. Identifiers: Orphanet 279934, MedGen CN074093, MONDO:0009636, OMIM 251880.

Allele frequency attached by ClinVar (database versions not stated): ExAC 0.00001; gnomAD 0.00001; gnomAD exomes 0.00001 and 0.00004; TOPMed 0.00001.
gnomAD v4.1: 61 of 1,613,992 alleles (0.0038%); highest among the groups gnomAD compares: Non-Finnish European, 0.0048%; no homozygotes.

Submissions (5):

Mendelics
Classification: Pathogenic for Mitochondrial DNA depletion syndrome 3 (hepatocerebral type). Last evaluated: 2026-03-05. Review status: criteria provided, single submitter. Criteria: ACMG Guidelines, 2015. Collection method: clinical testing. Allele origin: unknown.
Comment: Likely pathogenic/Pathogenic according to ACMG criteria.

Labcorp Genetics (formerly Invitae), Labcorp
Classification: Pathogenic. Last evaluated: 2025-10-01. Review status: criteria provided, single submitter. Criteria: Invitae Variant Classification Sherloc (09022015). Collection method: clinical testing. Allele origin: germline.
Comment: This sequence change replaces glutamic acid, which is acidic and polar, with valine, which is neutral and non-polar, at codon 165 of the DGUOK protein (p.Glu165Val). This variant is present in population databases (rs770950831, gnomAD 0.002%). This missense change has been observed in individuals with clinical features of DGUOK-related conditions (PMID: 16263314, 17452231, 21107780, 23783014). ClinVar contains an entry for this variant (Variation ID: 595262). Invitae Evidence Modeling of protein sequence and biophysical properties (such as structural, functional, and spatial information, amino acid conservation, physicochemical variation, residue mobility, and thermodynamic stability) indicates that this missense variant is expected to disrupt DGUOK protein function with a positive predictive value of 95%. This variant disrupts the p.Glu165 amino acid residue in DGUOK. Other variant(s) that disrupt this residue have been observed in individuals with DGUOK-related conditions (PMID: 24423689), which suggests that this may be a clinically significant amino acid residue. For these reasons, this variant has been classified as Pathogenic.

Women's Health and Genetics/Laboratory Corporation of America, LabCorp
Classification: Likely pathogenic for Mitochondrial DNA depletion syndrome 3 (hepatocerebral type). Last evaluated: 2025-01-29. Review status: criteria provided, single submitter. Criteria: LabCorp Variant Classification Summary - May 2015. Collection method: clinical testing. Allele origin: germline.
Comment: Variant summary: DGUOK c.494A>T (p.Glu165Val) results in a non-conservative amino acid change located in the Deoxynucleoside kinase domain (IPR031314) of the encoded protein sequence. Five of five in-silico tools predict a damaging effect of the variant on protein function. The variant allele was found at a frequency of 8e-06 in 251490 control chromosomes. c.494A>T has been reported in the literature in individuals affected with Mitochondrial DNA depletion syndrome 3 (Slama_2005, Villarroya_2009, Pronicka_2011). These data indicate that the variant is likely to be associated with disease. To our knowledge, no experimental evidence demonstrating an impact on protein function has been reported. The following publications have been ascertained in the context of this evaluation (PMID: 21107780, 16263314, 19265691). ClinVar contains an entry for this variant (Variation ID: 595262). Based on the evidence outlined above, the variant was classified as likely pathogenic.

Eurofins Ntd Llc (ga)
Classification: Pathogenic. Last evaluated: 2017-12-06. Review status: criteria provided, single submitter. Criteria: EGL Classification Definitions 2015. Collection method: clinical testing. Allele origin: germline. Observed: 2 variant alleles, 2 heterozygotes.

PreventionGenetics, part of Exact Sciences
Classification: Likely pathogenic for DGUOK-related condition. Last evaluated: 2024-05-10. Review status: no assertion criteria provided. Collection method: clinical testing. Allele origin: germline. Not counted in ClinVar's aggregate classification.
Comment: The DGUOK c.494A>T variant is predicted to result in the amino acid substitution p.Glu165Val. This variant has been reported in multiple individuals with autosomal recessive mitochondrial DNA depletion syndrome (see for example, Slama et al. 2005. PubMed ID: 16263314; Table 2, Sarzi et al. 2007. PubMed ID: 17452231; Table 1, Pronicka et al. 2010. PubMed ID: 21107780). This variant is reported in 0.0018% of alleles in individuals of European (non-Finnish) descent in gnomAD. An alternate nucleotide substitution affecting the same amino acid (p.Glu165Lys) has been reported in an individual with mitochondrial DNA depletion syndrome (Sezer et al. 2014. PubMed ID: 24423689). The c.494A>T (p.Glu165Val) variant is interpreted as likely pathogenic.

Literature cited by the submitters: PubMed 16263314 (cited by Labcorp Genetics (formerly Invitae), Labcorp and Women's Health and Genetics/Laboratory Corporation of America, LabCorp); PubMed 17452231 (cited by Labcorp Genetics (formerly Invitae), Labcorp); PubMed 21107780 (cited by Labcorp Genetics (formerly Invitae), Labcorp and Women's Health and Genetics/Laboratory Corporation of America, LabCorp); PubMed 23783014 (cited by Labcorp Genetics (formerly Invitae), Labcorp and Women's Health and Genetics/Laboratory Corporation of America, LabCorp); PubMed 24423689 (cited by Labcorp Genetics (formerly Invitae), Labcorp); PubMed 19265691 (cited by Women's Health and Genetics/Laboratory Corporation of America, LabCorp).